The following is an entry in ClinVar:

ClinVar aggregate classification (germline): Uncertain significance (1 of 4 stars; one submission).

Allele frequency attached by ClinVar (database versions not stated): TOPMed below 0.00001; ExAC 0.00001; gnomAD 0.00001; ESP Exome Variant Server 0.00008; 1000 Genomes Project 0.00020; 1000 Genomes Project 30x 0.00031.
gnomAD v4.1: 2 of 1,614,226 alleles (0.00012%); highest among the groups gnomAD compares: East Asian, 0.0022%; no homozygotes.

Submission:

Labcorp Genetics (formerly Invitae), Labcorp
Classification: Uncertain significance. Last evaluated: 2023-08-10. Review status: criteria provided, single submitter. Criteria: Invitae Variant Classification Sherloc (09022015). Collection method: clinical testing. Allele origin: germline.
Comment: This variant is present in population databases (rs200646785, gnomAD 0.006%). In summary, the available evidence is currently insufficient to determine the role of this variant in disease. Therefore, it has been classified as a Variant of Uncertain Significance. An algorithm developed to predict the effect of missense changes on protein structure and function (PolyPhen-2) suggests that this variant is likely to be disruptive. This variant has not been reported in the literature in individuals affected with MYLK3-related conditions. This sequence change replaces valine, which is neutral and non-polar, with methionine, which is neutral and non-polar, at codon 137 of the MYLK3 protein (p.Val137Met).

NM_182493.3(MYLK3):c.409G>A (p.Val137Met)

Gene: MYLK3 (myosin light chain kinase 3; minus strand). Cytogenetic location: 16q11.2.
Variant type: single nucleotide variant.
Coding change: c.409G>A on transcript NM_182493.3 (MANE Select); coding-DNA position 409, G replaced by A.
Protein change: p.Val137Met; replaces valine 137 with methionine.
Molecular consequence: missense variant. On other transcripts: intron variant (1).
Genome position (GRCh38, 1-based): chr16:46,747,785, C>T on the plus strand (G>A on the coding strand, the complement: MYLK3 is on the minus strand). VCF-style: chr16-46747785-C-T. GRCh37 (hg19) VCF-style: chr16-46781697-C-T.
Other names: c.-113-7638G>A (NM_001308301.1); short protein forms V137M.
Identifiers: ClinVar variation 2821203 (VCV002821203.3), dbSNP rs200646785, ClinGen allele CA8038265.